The following is an entry in ClinVar:

NM_000090.4(COL3A1):c.3256-12A>G

Gene: COL3A1 (collagen type III alpha 1 chain; plus strand). Cytogenetic location: 2q32.2.
Variant type: single nucleotide variant.
Coding change: c.3256-12A>G on transcript NM_000090.4 (MANE Select); 12 bases into the intron before coding-DNA position 3256, A replaced by G.
Molecular consequence: intron variant.
Genome position (GRCh38, 1-based): chr2:189,007,488, A>G. VCF-style: chr2-189007488-A-G. GRCh37 (hg19) VCF-style: chr2-189872214-A-G.
Identifiers: ClinVar variation 920630 (VCV000920630.11), dbSNP rs763415324, ClinGen allele CA075983.

ClinVar aggregate classification (germline): Likely benign. Review status: criteria provided, multiple submitters, no conflicts (2 of 4 stars). 3 submissions from 3 submitters: Likely benign (3). Last evaluated 2025-12-02.

Conditions:
Familial thoracic aortic aneurysm and aortic dissection (TAAD). Also called: Thoracic aortic aneurysms and dissections. Identifiers: Orphanet 91387, MedGen C4707243, MONDO:0019625.
Ehlers-Danlos syndrome, type 4 (EDSVASC). Also called: Ehlers-Danlos Syndrome Type IV; Ehlers-Danlos syndrome vascular type; Ehlers Danlos syndrome, ecchymotic type; Ehlers Danlos syndrome, arterial type; Ehlers Danlos syndrome, Sack-Barabas type. Identifiers: Orphanet 286, MedGen C0268338, MONDO:0017314, OMIM 130050.

Allele frequency attached by ClinVar (database versions not stated): gnomAD exomes 0.00002 and 0.00009; ExAC 0.00013.
gnomAD v4.1: 29 of 1,605,568 alleles (0.0018%); highest among the groups gnomAD compares: South Asian, 0.027%; no homozygotes.

Submissions (3):

Labcorp Genetics (formerly Invitae), Labcorp
Classification: Likely benign for Ehlers-Danlos syndrome, type 4. Last evaluated: 2025-12-02. Review status: criteria provided, single submitter. Criteria: Invitae Variant Classification Sherloc (09022015). Collection method: clinical testing. Allele origin: germline.

All of Us Research Program, National Institutes of Health
Classification: Likely benign for Ehlers-Danlos syndrome, type 4. Last evaluated: 2023-07-10. Review status: criteria provided, single submitter. Criteria: ACMG Guidelines, 2015. Collection method: clinical testing. Allele origin: germline. Inheritance: Autosomal dominant inheritance. Observed: 1 variant allele, 1 heterozygote.
Comment: This study involves interpretation of variants in research participants for the purpose of population health screening. Participant phenotype was not available at the time of variant classification. Additional details can be found in publication PMID: 35346344, PMCID: PMC8962531

Color Diagnostics, LLC DBA Color Health
Classification: Likely benign for Familial thoracic aortic aneurysm and aortic dissection. Last evaluated: 2019-09-30. Review status: criteria provided, single submitter. Criteria: ACMG Guidelines, 2015. Collection method: clinical testing. Allele origin: germline.